The following is an entry in ClinVar:

NM_002227.4(JAK1):c.1550C>T (p.Pro517Leu)

Gene: JAK1 (Janus kinase 1; minus strand). Cytogenetic location: 1p31.3.
Variant type: single nucleotide variant.
Coding change: c.1550C>T on transcript NM_002227.4 (MANE Select); coding-DNA position 1550, C replaced by T.
Protein change: p.Pro517Leu; replaces proline 517 with leucine.
Molecular consequence: missense variant.
Genome position (GRCh38, 1-based): chr1:64,855,607, G>A on the plus strand (C>T on the coding strand, the complement: JAK1 is on the minus strand). VCF-style: chr1-64855607-G-A. GRCh37 (hg19) VCF-style: chr1-65321290-G-A.
Other names: c.1550C>T, p.Pro517Leu (NM_001320923.2, NM_001321852.2, NM_001321853.2 and 3 more transcripts); c.1547C>T, p.Pro516Leu (NM_001321857.2); short protein forms P516L, P517L.
Identifiers: ClinVar variation 2839577 (VCV002839577.3), dbSNP rs2524162557, ClinGen allele CA340669500.

ClinVar aggregate classification (germline): Uncertain significance (1 of 4 stars; one submission).

Allele frequency attached by ClinVar (database versions not stated): gnomAD exomes below 0.00001.
gnomAD v4.1: 7 of 1,614,148 alleles (0.00043%); highest among the groups gnomAD compares: Non-Finnish European, 0.00059%; no homozygotes.

Submission:

Labcorp Genetics (formerly Invitae), Labcorp
Classification: Uncertain significance. Last evaluated: 2023-02-21. Review status: criteria provided, single submitter. Criteria: Invitae Variant Classification Sherloc (09022015). Collection method: clinical testing. Allele origin: germline.
Comment: In summary, the available evidence is currently insufficient to determine the role of this variant in disease. Therefore, it has been classified as a Variant of Uncertain Significance. Advanced modeling of protein sequence and biophysical properties (such as structural, functional, and spatial information, amino acid conservation, physicochemical variation, residue mobility, and thermodynamic stability) performed at Invitae indicates that this missense variant is not expected to disrupt JAK1 protein function. This variant has not been reported in the literature in individuals affected with JAK1-related conditions. This variant is not present in population databases (gnomAD no frequency). This sequence change replaces proline, which is neutral and non-polar, with leucine, which is neutral and non-polar, at codon 517 of the JAK1 protein (p.Pro517Leu).